The following is an entry in ClinVar:

NM_020822.3(KCNT1):c.2944-52CTCC[3]

Gene: KCNT1 (potassium sodium-activated channel subfamily T member 1; plus strand). Cytogenetic location: 9q34.3.
Variant type: Microsatellite.
Coding change: c.2944-52CTCC[3] on transcript NM_020822.3 (MANE Select); three copies in a row of the 4-base unit CTCC starting at c.2944-52.
Molecular consequence: intron variant.
Genome position: GRCh38, VCF-style position (the base before the change): chr9:135,784,482. GRCh37 (hg19), VCF-style position (the base before the change): chr9:138,676,328.
Other names: c.2809-52CTCC[3] (NM_001272003.2).
Identifiers: ClinVar variation 4981859 (VCV004981859.1).

ClinVar aggregate classification (germline): Likely benign (1 of 4 stars; one submission).

Conditions:
KCNT1-related disorder. Also called: KCNT1-related condition.

Submission:

PreventionGenetics, part of Exact Sciences
Classification: Likely benign for KCNT1-related condition. Last evaluated: 2025-05-08. Review status: criteria provided, single submitter. Criteria: ACMG Guidelines, 2015. Collection method: clinical testing. Allele origin: germline.
Comment: This variant is classified as likely benign based on ACMG/AMP sequence variant interpretation guidelines (Richards et al. 2015 PMID: 25741868, with internal and published modifications).